The following is an entry in ClinVar:

ClinVar aggregate classification (germline): Uncertain significance. Review status: criteria provided, multiple submitters, no conflicts (2 of 4 stars). 2 submissions from 2 submitters: Uncertain significance (2). Last evaluated 2025-02-02.

Conditions:
Inborn genetic diseases. Identifiers: MedGen C0950123, MeSH D030342.

Allele frequency attached by ClinVar (database versions not stated): ExAC 0.00002; gnomAD 0.00003; gnomAD exomes 0.00011.
gnomAD v4.1: 166 of 1,613,810 alleles (0.01%); highest among the groups gnomAD compares: Non-Finnish European, 0.013%; no homozygotes.

Submissions (2):

Labcorp Genetics (formerly Invitae), Labcorp
Classification: Uncertain significance. Last evaluated: 2025-02-02. Review status: criteria provided, single submitter. Criteria: Invitae Variant Classification Sherloc (09022015). Collection method: clinical testing. Allele origin: germline.
Comment: This sequence change replaces proline, which is neutral and non-polar, with serine, which is neutral and polar, at codon 173 of the COL10A1 protein (p.Pro173Ser). This variant is present in population databases (rs746023843, gnomAD 0.004%). This variant has not been reported in the literature in individuals affected with COL10A1-related conditions. ClinVar contains an entry for this variant (Variation ID: 2893511). Invitae Evidence Modeling of protein sequence and biophysical properties (such as structural, functional, and spatial information, amino acid conservation, physicochemical variation, residue mobility, and thermodynamic stability) has been performed for this missense variant. However, the output from this modeling did not meet the statistical confidence thresholds required to predict the impact of this variant on COL10A1 protein function. In summary, the available evidence is currently insufficient to determine the role of this variant in disease. Therefore, it has been classified as a Variant of Uncertain Significance.

Ambry Genetics
Classification: Uncertain significance for Inborn genetic diseases. Last evaluated: 2024-05-28. Review status: criteria provided, single submitter. Criteria: Ambry Variant Classification Scheme 2023. Collection method: clinical testing. Allele origin: germline.

NM_000493.4(COL10A1):c.517C>T (p.Pro173Ser)

Genes: COL10A1 (collagen type X alpha 1 chain; minus strand), NT5DC1 (5'-nucleotidase domain containing 1; plus strand). Cytogenetic location: 6q22.1.
Variant type: single nucleotide variant.
Coding change: c.517C>T on transcript NM_000493.4 (MANE Select); coding-DNA position 517, C replaced by T.
Protein change: p.Pro173Ser; replaces proline 173 with serine.
Molecular consequence: missense variant. On other transcripts: intron variant (1).
Genome position (GRCh38, 1-based): chr6:116,121,599, G>A on the plus strand (C>T on the coding strand, the complement: COL10A1 is on the minus strand). VCF-style: chr6-116121599-G-A. GRCh37 (hg19) VCF-style: chr6-116442762-G-A.
Other names: c.517C>T, p.Pro173Ser (NM_001424106.1, NM_001424107.1); c.529+3654G>A (NM_152729.3); short protein forms P173S.
Identifiers: ClinVar variation 2893511 (VCV002893511.3), dbSNP rs746023843, ClinGen allele CA3968383.